The following is an entry in ClinVar:

NM_001324418.2(ADAM22):c.1617+1G>A

Gene: ADAM22 (ADAM metallopeptidase domain 22; plus strand). Cytogenetic location: 7q21.12.
Variant type: single nucleotide variant.
Coding change: c.1617+1G>A on transcript NM_001324418.2 (MANE Select); the canonical splice donor site of the intron after coding-DNA position 1617, G replaced by A.
Molecular consequence: splice donor variant.
Genome position (GRCh38, 1-based): chr7:88,151,032, G>A. VCF-style: chr7-88151032-G-A. GRCh37 (hg19) VCF-style: chr7-87780347-G-A.
Other names: c.1668+1G>A (NM_001391975.1, NM_001391980.1); c.1593+1G>A (NM_001391982.1); c.1617+1G>A (NM_001324420.2, NM_001391976.1, NM_021723.5 and 6 more transcripts); c.1614+1G>A (NM_001324419.2, NM_001391979.1, NM_001391978.1 and 2 more transcripts).
Identifiers: ClinVar variation 3775562 (VCV003775562.1).

ClinVar aggregate classification (germline): Pathogenic (1 of 4 stars; one submission).

Conditions:
Developmental and epileptic encephalopathy, 61. Also called: Early infantile epileptic encephalopathy 61. Identifiers: MedGen C4693688, MONDO:0033370, OMIM 617933.

Submission:

3billion
Classification: Pathogenic for Developmental and epileptic encephalopathy, 61. Last evaluated: 2023-08-21. Review status: criteria provided, single submitter. Criteria: ACMG Guidelines, 2015. Collection method: clinical testing. Allele origin: germline. Affected: yes.
Comment: The variant is not observed in the gnomAD v2.1.1 dataset. Predicted Consequence/Location: Canonical splice site: predicted to alter splicing and result in a loss or disruption of normal protein function. Multiple pathogenic loss-of-function variants are reported downstream of the variant. Therefore, this variant is classified as Likely pathogenic according to the recommendation of ACMG/AMP guideline.